The following is an entry in ClinVar:

NM_144666.3(DNHD1):c.14174T>C (p.Ile4725Thr)

Gene: DNHD1 (dynein heavy chain domain 1; plus strand). Cytogenetic location: 11p15.4.
Variant type: single nucleotide variant.
Coding change: c.14174T>C on transcript NM_144666.3 (MANE Select); coding-DNA position 14174, T replaced by C.
Protein change: p.Ile4725Thr; replaces isoleucine 4725 with threonine.
Molecular consequence: missense variant.
Genome position (GRCh38, 1-based): chr11:6,571,898, T>C. VCF-style: chr11-6571898-T-C. GRCh37 (hg19) VCF-style: chr11-6593128-T-C.
Other names: short protein forms I4725T.
Identifiers: ClinVar variation 2641555 (VCV002641555.24), dbSNP rs2134471765, ClinGen allele CA379423904.

ClinVar aggregate classification (germline): Uncertain significance (1 of 4 stars; one submission).

Allele frequency attached by ClinVar (database versions not stated): gnomAD 0.00001.

Submission:

CeGaT Center for Human Genetics Tuebingen
Classification: Uncertain significance. Last evaluated: 2023-09-01. Review status: criteria provided, single submitter. Criteria: CeGaT Center For Human Genetics Tuebingen Variant Classification Criteria Version 2. Collection method: clinical testing. Allele origin: germline. Affected: yes. Observed: 1 variant allele.
Comment: DNHD1: PM2, BP4